The following is an entry in ClinVar:

ClinVar aggregate classification (germline): Uncertain significance (1 of 4 stars; one submission).

Conditions:
Hereditary cancer-predisposing syndrome. Also called: Neoplastic Syndromes, Hereditary; Tumor predisposition; Hereditary neoplastic syndrome; Hereditary Cancer Syndrome. Identifiers: Orphanet 140162, MedGen C0027672, MeSH D009386, MONDO:0015356.

Submission:

Ambry Genetics
Classification: Uncertain significance for Hereditary cancer-predisposing syndrome. Last evaluated: 2026-07-06. Review status: criteria provided, single submitter. Criteria: Ambry Variant Classification Scheme 2023. Collection method: clinical testing. Allele origin: germline.
Comment: The p.T5S variant (also known as c.14C>G), located in coding exon 2 of the PTCH1 gene, results from a C to G substitution at nucleotide position 14. The threonine at codon 5 is replaced by serine, an amino acid with similar properties. This amino acid position is conserved. In addition, the in silico prediction for this alteration is inconclusive. Based on the available evidence, the clinical significance of this variant remains unclear.

NM_000264.5(PTCH1):c.212C>G (p.Thr71Ser)

Gene: PTCH1 (patched 1; minus strand). Cytogenetic location: 9q22.32.
Variant type: single nucleotide variant.
Coding change: c.212C>G on transcript NM_000264.5 (MANE Select); coding-DNA position 212, C replaced by G.
Protein change: p.Thr71Ser; replaces threonine 71 with serine.
Molecular consequence: missense variant. On other transcripts: 5 prime UTR variant (4), non-coding transcript variant (1).
Genome position (GRCh38, 1-based): chr9:95,506,589, G>C on the plus strand (C>G on the coding strand, the complement: PTCH1 is on the minus strand). VCF-style: chr9-95506589-G-C. GRCh37 (hg19) VCF-style: chr9-98268871-G-C.
Other names: c.14C>G, p.Thr5Ser (NM_001083602.3, NM_001354919.2); c.209C>G, p.Thr70Ser (NM_001083603.3); c.-242C>G (NM_001083604.3, NM_001083605.3, NM_001083606.3 and 1 more transcripts); c.212C>G, p.Thr71Ser (NM_001354918.2); short protein forms T71S, T5S, T70S.
Identifiers: ClinVar variation 5027482 (VCV005027482.1).